The following is an entry in ClinVar:

ClinVar aggregate classification (germline): Uncertain significance (1 of 4 stars; one submission).

Conditions:
Congenital myasthenic syndrome 20. Also called: Myasthenic syndrome, congenital, 20, presynaptic. Identifiers: MedGen C4310694, MONDO:0014939, OMIM 617143.
Neuronopathy, distal hereditary motor, type 7A. Also called: Neuronopathy, distal hereditary motor, type viia; NEURONOPATHY, DISTAL HEREDITARY MOTOR, HARDING TYPE VIIA; NEUROPATHY, DISTAL HEREDITARY MOTOR, HARDING TYPE VIIA; Neuronopathy, distal hereditary motor, autosomal dominant 7; HARPER-YOUNG MYOPATHY; HMN VIIA. Identifiers: Orphanet 139589, MedGen C1834703, MONDO:0008024, OMIM 158580.

Submission:

Labcorp Genetics (formerly Invitae), Labcorp
Classification: Uncertain significance for Neuronopathy, distal hereditary motor, type 7A; Congenital myasthenic syndrome 20. Last evaluated: 2025-07-27. Review status: criteria provided, single submitter. Criteria: Invitae Variant Classification Sherloc (09022015). Collection method: clinical testing. Allele origin: germline.
Comment: This sequence change replaces methionine, which is neutral and non-polar, with isoleucine, which is neutral and non-polar, at codon 358 of the SLC5A7 protein (p.Met358Ile). This variant is not present in population databases (gnomAD no frequency). This variant has not been reported in the literature in individuals affected with SLC5A7-related conditions. Invitae Evidence Modeling of protein sequence and biophysical properties (such as structural, functional, and spatial information, amino acid conservation, physicochemical variation, residue mobility, and thermodynamic stability) indicates that this missense variant is not expected to disrupt SLC5A7 protein function with a negative predictive value of 80%. In summary, the available evidence is currently insufficient to determine the role of this variant in disease. Therefore, it has been classified as a Variant of Uncertain Significance.

NM_021815.5(SLC5A7):c.1074G>A (p.Met358Ile)

Gene: SLC5A7 (solute carrier family 5 member 7; plus strand). Cytogenetic location: 2q12.3.
Variant type: single nucleotide variant.
Coding change: c.1074G>A on transcript NM_021815.5 (MANE Select); coding-DNA position 1074, G replaced by A.
Protein change: p.Met358Ile; replaces methionine 358 with isoleucine.
Molecular consequence: missense variant.
Genome position (GRCh38, 1-based): chr2:108,008,643, G>A. VCF-style: chr2-108008643-G-A. GRCh37 (hg19) VCF-style: chr2-108625099-G-A.
Other names: c.759G>A, p.Met253Ile (NM_001305006.3); c.333G>A, p.Met111Ile (NM_001305007.3); c.1074G>A, p.Met358Ile (NM_001305005.3); short protein forms M358I, M253I, M111I.
Identifiers: ClinVar variation 4783257 (VCV004783257.1).
Genomic context (GRCh38, chr2:108,008,643, plus strand): 5'-TGCAGTTTCTGCTGCTGTTATGTCATCAGCAGATTCTTCCATCTTGTCAGCAAGTTCCAT[G>A]TTTGCACGGAACATCTACCAGCTTTCCTTCAGACAAAATGTAAGAACAGTTTCTTTCAAC-3'
Protein context (NP_068587.1, residues 348-368): ADSSILSASS[Met358Ile]FARNIYQLSF